The following is an entry in ClinVar:

NM_000194.2(HPRT1):c.329C>T (p.Ser110Leu)

Gene: HPRT1 (hypoxanthine phosphoribosyltransferase 1; plus strand). Cytogenetic location: Xq26.2.
Variant type: single nucleotide variant.
Coding change: c.329C>T on transcript NM_000194.2; coding-DNA position 329, C replaced by T.
Protein change: p.Ser110Leu; replaces serine 110 with leucine.
Molecular consequence: missense variant (on NM_000194.3).
Genome position (GRCh38, 1-based): chrX:134,486,475, C>T. VCF-style: chrX-134486475-C-T. GRCh37 (hg19) VCF-style: chrX-133620505-C-T.
Other names: c.329C>T, p.Ser110Leu (NM_000194.3); short protein forms S110L.
Identifiers: ClinVar variation 10038 (VCV000010038.6), dbSNP rs137852482, ClinGen allele CA120894.

ClinVar aggregate classification (germline): Likely pathogenic. Review status: criteria provided, single submitter (1 of 4 stars). 3 submissions from 2 submitters: Likely pathogenic (1). 2 of the submissions do not count toward it. Last evaluated 2023-07-30.

Conditions:
Lesch-Nyhan syndrome (LNS). Also called: HPRT DEFICIENCY, COMPLETE; Lesch-Nyhan Disease (LND). Identifiers: Orphanet 510, MedGen C0023374, MONDO:0010298, OMIM 300322.
Partial hypoxanthine-guanine phosphoribosyltransferase deficiency. Also called: HPRT DEFICIENCY, PARTIAL; HYPOXANTHINE GUANINE PHOSPHORIBOSYLTRANSFERASE 1 DEFICIENCY, PARTIAL; HPRT1 DEFICIENCY, PARTIAL; Kelley-Seegmiller Syndrome; GOUT, HPRT-RELATED. Identifiers: Orphanet 79233, MedGen C0268117, MONDO:0010299, OMIM 300323.
HPRT LONDON.

gnomAD v4.1: 2 of 1,116,104 alleles (0.00018%); highest among the groups gnomAD compares: Non-Finnish European, 0.00024%; no homozygotes.

Submissions (3):

Labcorp Genetics (formerly Invitae), Labcorp
Classification: Likely pathogenic for Lesch-Nyhan syndrome; Partial hypoxanthine-guanine phosphoribosyltransferase deficiency. Last evaluated: 2023-07-30. Review status: criteria provided, single submitter. Criteria: Invitae Variant Classification Sherloc (09022015). Collection method: clinical testing. Allele origin: germline.
Comment: This sequence change replaces serine, which is neutral and polar, with leucine, which is neutral and non-polar, at codon 110 of the HPRT1 protein (p.Ser110Leu). An algorithm developed to predict the effect of missense changes on protein structure and function (PolyPhen-2) suggests that this variant is likely to be disruptive. ClinVar contains an entry for this variant (Variation ID: 10038). This variant is also known as HPRT(London). This missense change has been observed in individual(s) with hypoxanthine-guanine phosphoribosyltransferase deficiency (PMID: 3198771). This variant is not present in population databases (gnomAD no frequency). Experimental studies have shown that this missense change affects HPRT1 function (PMID: 22157001). In summary, the currently available evidence indicates that the variant is pathogenic, but additional data are needed to prove that conclusively. Therefore, this variant has been classified as Likely Pathogenic. Algorithms developed to predict the effect of sequence changes on RNA splicing suggest that this variant may disrupt the consensus splice site.

OMIM
Classification: other for HPRT LONDON. Last evaluated: 2020-09-10. Review status: no assertion criteria provided. Collection method: literature only. Allele origin: germline. Not counted in ClinVar's aggregate classification.

OMIM
Classification: Pathogenic for HYPERURICEMIA, HPRT-RELATED. Last evaluated: 1983-09-01. Review status: no assertion criteria provided. Collection method: literature only. Allele origin: germline. Not counted in ClinVar's aggregate classification.

Literature cited by the submitters: PubMed 3198771 (cited by Labcorp Genetics (formerly Invitae), Labcorp); PubMed 22157001 (cited by Labcorp Genetics (formerly Invitae), Labcorp); PubMed 6309910 (cited by OMIM); PubMed 3384338 (cited by OMIM).